The following is an entry in ClinVar:

ClinVar aggregate classification (germline): Uncertain significance (1 of 4 stars; one submission).

Conditions:
Intellectual developmental disorder with seizures and language delay (IDDSELD). Identifiers: MedGen C5436574, MONDO:0033559, OMIM 619000.

Submission:

Servicio de Genética Del Instituto Nacional de Salud Del Niño, Ministerio de Salud
Classification: Uncertain significance for Intellectual developmental disorder with seizures and language delay. Last evaluated: 2024-11-18. Review status: criteria provided, single submitter. Criteria: ACMG Guidelines, 2015. Collection method: clinical testing. Allele origin: germline. Inheritance: Autosomal dominant inheritance.
Comment: The variant NM_001353345.2:c.3470A>T results in the substitution of glutamic acid with valine at position 1157 in the protein. Glutamic acid is a negatively charged amino acid, while valine is hydrophobic, which may affect the protein's structure or function. The variant has been classified as PM2 (absence in population databases or very low frequency in the general population) and PP2 (computational evidence suggests that the substitution may be damaging to protein function). Additionally, BP4 (evidence from computational predictions suggests benign nature) further complicates the classification. Based on these factors, this variant is classified as of uncertain significance

NM_001353345.2(SETD1B):c.3470A>T (p.Glu1157Val)

Gene: SETD1B (SET domain containing 1B, histone lysine methyltransferase; plus strand). Cytogenetic location: 12q24.31.
Variant type: single nucleotide variant.
Coding change: c.3470A>T on transcript NM_001353345.2 (MANE Select); coding-DNA position 3470, A replaced by T.
Protein change: p.Glu1157Val; replaces glutamic acid 1157 with valine.
Molecular consequence: missense variant.
Genome position (GRCh38, 1-based): chr12:121,819,455, A>T. VCF-style: chr12-121819455-A-T. GRCh37 (hg19) VCF-style: chr12-122257361-A-T.
Other names: short protein forms E1157V.
Identifiers: ClinVar variation 3381243 (VCV003381243.2).
Genomic context (GRCh38, chr12:121,819,455, plus strand): 5'-CCCATCCAGAGGAGACAGTGAGCATTGTAACCTCCAAGGCCGAAGCCACGTCGTCCAGTG[A>T]GAGTTCCGAGTCTTCTGAGTTTGAGTCAAGCTCCGAGTCCTCGCCCTCATCCTCGGAGGA-3'
Protein context (NP_001340274.1, residues 1147-1167): TSKAEATSSS[Glu1157Val]SSESSEFESS